The following is an entry in ClinVar:

NM_004519.4(KCNQ3):c.221G>A (p.Arg74His)

Gene: KCNQ3 (potassium voltage-gated channel subfamily Q member 3; minus strand). Cytogenetic location: 8q24.22.
Variant type: single nucleotide variant.
Coding change: c.221G>A on transcript NM_004519.4 (MANE Select); coding-DNA position 221, G replaced by A.
Protein change: p.Arg74His; replaces arginine 74 with histidine.
Molecular consequence: missense variant.
Genome position (GRCh38, 1-based): chr8:132,480,312, C>T on the plus strand (G>A on the coding strand, the complement: KCNQ3 is on the minus strand). VCF-style: chr8-132480312-C-T. GRCh37 (hg19) VCF-style: chr8-133492559-C-T.
Other names: short protein forms R74H.
Identifiers: ClinVar variation 962495 (VCV000962495.10), dbSNP rs1163071564, ClinGen allele CA372292656.

ClinVar aggregate classification (germline): Uncertain significance (1 of 4 stars; one submission).

Conditions:
Benign neonatal seizures. Also called: Benign familial neonatal seizures; Benign neonatal familial convulsions; Benign familial neonatal epilepsy; Convulsions benign familial neonatal dominant form; Autosomal dominant form of benign neonatal seizures. Identifiers: Orphanet 1949, MedGen C0220669, MONDO:0016027.

Allele frequency attached by ClinVar (database versions not stated): gnomAD exomes below 0.00001.
gnomAD v4.1: 2 of 1,601,726 alleles (0.00012%); highest among the groups gnomAD compares: African/African-American, 0.0013%; no homozygotes.

Submission:

Labcorp Genetics (formerly Invitae), Labcorp
Classification: Uncertain significance for Benign neonatal seizures. Last evaluated: 2025-12-10. Review status: criteria provided, single submitter. Criteria: Invitae Variant Classification Sherloc (09022015). Collection method: clinical testing. Allele origin: germline.
Comment: This sequence change replaces arginine, which is basic and polar, with histidine, which is basic and polar, at codon 74 of the KCNQ3 protein (p.Arg74His). The frequency data for this variant in the population databases is considered unreliable, as metrics indicate poor data quality at this position in the gnomAD database. This variant has not been reported in the literature in individuals affected with KCNQ3-related conditions. ClinVar contains an entry for this variant (Variation ID: 962495). Invitae Evidence Modeling of protein sequence and biophysical properties (such as structural, functional, and spatial information, amino acid conservation, physicochemical variation, residue mobility, and thermodynamic stability) indicates that this missense variant is not expected to disrupt KCNQ3 protein function with a negative predictive value of 95%. In summary, the available evidence is currently insufficient to determine the role of this variant in disease. Therefore, it has been classified as a Variant of Uncertain Significance.